The following is an entry in ClinVar:

NM_006912.6(RIT1):c.170C>G (p.Ala57Gly)

Gene: RIT1 (Ras like without CAAX 1; minus strand). Cytogenetic location: 1q22.
Variant type: single nucleotide variant.
Coding change: c.170C>G on transcript NM_006912.6 (MANE Select); coding-DNA position 170, C replaced by G.
Protein change: p.Ala57Gly; replaces alanine 57 with glycine.
Molecular consequence: missense variant.
Genome position (GRCh38, 1-based): chr1:155,904,798, G>C on the plus strand (C>G on the coding strand, the complement: RIT1 is on the minus strand). VCF-style: chr1-155904798-G-C. GRCh37 (hg19) VCF-style: chr1-155874589-G-C.
Other names: c.62C>G, p.Ala21Gly (NM_001256820.2); c.221C>G, p.Ala74Gly (NM_001256821.2); c.170C>G (NM_006912.4); short protein forms A57G, A74G, A21G.
Identifiers: ClinVar variation 60506 (VCV000060506.49), dbSNP rs672601334, ClinGen allele CA144537.
Genomic context (GRCh38, chr1:155,904,798, plus strand): 5'-GCTGTATCCAAAATGTCCAGATTGGCAGGCTCATCATCAATACGGATCCTGATCTTATAA[G>C]CATCTTCTACAGGAGGGAAGAAAGGTGTACTATAAAGTCATAAATGCCGGAAGAAATGCC-3'
Protein context (NP_008843.1, residues 47-67): PEDHDPTIED[Ala57Gly]YKIRIRIDDE

ClinVar aggregate classification (germline): Pathogenic/Likely pathogenic. Review status: criteria provided, multiple submitters, no conflicts (2 of 4 stars). 25 submissions from 25 submitters: Pathogenic (20); Likely pathogenic (1). 4 of the submissions do not count toward it. Last evaluated 2025-10-08.

Conditions:
RIT1-related disorder. Also called: RIT1-related condition.
Noonan syndrome and Noonan-related syndrome. Identifiers: Orphanet 98733, MedGen C5681679, MONDO:0020297.
Cardiovascular phenotype. Identifiers: MedGen CN230736.
Noonan syndrome 8 (NS8). Identifiers: Orphanet 648, MedGen C3809233, MONDO:0014143, OMIM 615355.
RASopathy. Also called: rasopathies; Noonan spectrum disorder. Identifiers: Orphanet 536391, MedGen C5555857, MONDO:0021060.
Noonan syndrome (NS). Also called: Noonan's syndrome. Identifiers: Orphanet 648, MedGen C0028326, MeSH D009634, MONDO:0018997. Disease mechanism: gain of function.
Noonan syndrome 1 (NS1). Also called: TURNER PHENOTYPE WITH NORMAL KARYOTYPE; FEMALE PSEUDO-TURNER SYNDROME; PTPN11-Related Noonan Syndrome. Identifiers: Orphanet 648, MedGen C4551602, MONDO:0008104, OMIM 163950. Disease mechanism: gain of function.

Submissions 1 to 13 of 25:

Labcorp Genetics (formerly Invitae), Labcorp
Classification: Pathogenic for Noonan syndrome 8. Last evaluated: 2025-10-08. Review status: criteria provided, single submitter. Criteria: Invitae Variant Classification Sherloc (09022015). Collection method: clinical testing. Allele origin: germline.
Comment: This sequence change replaces alanine, which is neutral and non-polar, with glycine, which is neutral and non-polar, at codon 57 of the RIT1 protein (p.Ala57Gly). This variant is not present in population databases (gnomAD no frequency). This missense change has been observed in individual(s) with Noonan syndrome (PMID: 23791108, 24901346, 25049390, 25124994, 25959749, 26714497, 26757980, 27101134). In at least one individual the variant was observed to be de novo. ClinVar contains an entry for this variant (Variation ID: 60506). Invitae Evidence Modeling incorporating data from in vitro experimental studies (internal data) did not meet the statistical confidence thresholds required to predict the impact of this variant on RIT1 function. Experimental studies have shown that this missense change affects RIT1 function (PMID: 25049390, 25959749, 27226556). For these reasons, this variant has been classified as Pathogenic.

Genomic Medicine Center of Excellence, King Faisal Specialist Hospital and Research Centre
Classification: Pathogenic for Noonan syndrome 8. Last evaluated: 2025-09-10. Review status: criteria provided, single submitter. Criteria: ACMG Guidelines, 2015. Collection method: clinical testing. Allele origin: germline.

Variantyx, Inc.
Classification: Likely pathogenic for Noonan syndrome 8. Last evaluated: 2025-08-05. Review status: criteria provided, single submitter. Criteria: Variantyx Assertion Criteria 2022. Collection method: clinical testing. Allele origin: germline. Inheritance: Autosomal dominant inheritance. Affected: yes.
Comment: This is a nonsynonymous variant in the RIT1 gene (OMIM: 609591). Pathogenic variants in this gene have been associated with autosomal dominant Noonan syndrome 8. This variant has been reported in several unrelated affected individuals (PMID: 23791108, 26714497, 25959749) (PS4). Computational algorithms produce conflicting evidence regarding the predicted functional impact of this variant (REVEL score: 0.62), but functional studies have shown that this variant alters RIT1 protein function (PMID: 23791108) (PS3). This variant is absent from control populations (PM2). . Based on the current evidence, this variant is classified as likely pathogenic for autosomal dominant Noonan syndrome 8.

3billion
Classification: Pathogenic for Noonan syndrome 8. Last evaluated: 2025-05-19. Review status: criteria provided, single submitter. Criteria: ACMG Guidelines, 2015. Collection method: clinical testing. Allele origin: germline. Affected: yes.
Comment: The variant is not observed in the gnomAD v4.1.0 dataset. Predicted Consequence/Location: Missense variant. Missense changes are a common disease-causing mechanism. In silico tool predictions suggest damaging effect of the variant on gene or gene product [REVEL: 0.62 (>=0.6, sensitivity 0.68 and specificity 0.92); 3Cnet: 0.99 (> 0.75, sensitivity 0.96 and precision 0.92)]. The same nucleotide change resulting in the same amino acid change has been previously reported as pathogenic/likely pathogenic with strong evidence (ClinVar ID: VCV000060506 /PMID: 23791108 /3billion dataset). The variant has been previously reported as de novo in at least two similarly affected unrelated individuals (PMID: 23791108, 25959749, 26714497). The variant has been observed in multiple (>3) similarly affected unrelated individuals (PMID: 23791108, 25959749, 26714497). Therefore, this variant is classified as Pathogenic according to the recommendation of ACMG/AMP guideline.

Laboratory of Genetics, Children's Clinical University Hospital Latvia
Classification: Pathogenic. Last evaluated: 2025-02-16. Review status: criteria provided, single submitter. Criteria: ACMG Guidelines, 2015. Collection method: clinical testing. Allele origin: germline. Affected: yes.

PreventionGenetics, part of Exact Sciences
Classification: Pathogenic for RIT1-related condition. Last evaluated: 2024-11-25. Review status: criteria provided, single submitter. Criteria: ACMG Guidelines, 2015. Collection method: clinical testing. Allele origin: germline.
Comment: The RIT1 c.221C>G variant is predicted to result in the amino acid substitution p.Ala74Gly. Using an alternate transcript, this variant is also referred to as c.170C>G (p.Ala57Gly). This variant has been reported to be causative for Noonan syndrome (see for example - Aoki et al. 2013. PubMed ID: 23791108; Bertola et al. 2014. PubMed ID: 25124994; Koenighofer et al. 2016. PubMed ID: 25959749). Functional studies demonstrate this variant affects protein function (Fang et al. 2016. PubMed ID: 27226556). This variant has not been reported in a large population database, indicating this variant is rare. This variant is interpreted as pathogenic.

Victorian Clinical Genetics Services, Murdoch Childrens Research Institute
Classification: Pathogenic for Noonan syndrome 8. Last evaluated: 2024-10-16. Review status: criteria provided, single submitter. Criteria: ACMG Guidelines, 2015. Collection method: clinical testing. Allele origin: germline. Affected: yes.
Comment: This variant is classified as Pathogenic. Evidence in support of pathogenic classification: Variant is absent from gnomAD (v2, v3 and v4); This variant has strong previous evidence of pathogenicity in unrelated individuals. This variant has been classified as pathogenic by multiple clinical laboratories in ClinVar; Additional information: Variant is predicted to result in a missense amino acid change from alanine to glycine; This variant is heterozygous; This gene is associated with autosomal dominant disease; Variant is located in the annotated Ras domain (DECIPHER); Missense variant with inconclusive in silico prediction and high conservation; Gain of function is a known mechanism of disease in this gene and is associated with Noonan syndrome 8 (MIM#615355). Variants have been shown to result in enhanced ELK1 transactivation (PMID: 23791108).

Dubai Health Genomic Medicine Center, Dubai Health
Classification: Pathogenic for Noonan syndrome 8. Last evaluated: 2024-10-04. Review status: criteria provided, single submitter. Criteria: ACMG Guidelines, 2015. Collection method: research. Allele origin: germline. Affected: yes.
Comment: PS2,PM2,PP3

Revvity Omics, Revvity
Classification: Pathogenic for Noonan syndrome 8. Last evaluated: 2023-08-04. Review status: criteria provided, single submitter. Criteria: ACMG Guidelines, 2015. Collection method: clinical testing. Allele origin: germline.

Duke University Health System Sequencing Clinic, Duke University Health System
Classification: Pathogenic for Noonan syndrome 8. Last evaluated: 2023-04-20. Review status: criteria provided, single submitter. Criteria: ACMG Guidelines, 2015. Collection method: research. Allele origin: de novo. Affected: yes.

Genome-Nilou Lab
Classification: Pathogenic for Noonan syndrome 8. Last evaluated: 2023-04-11. Review status: criteria provided, single submitter. Criteria: ACMG Guidelines, 2015. Collection method: clinical testing. Allele origin: germline. Affected: no.

Kasturba Medical College, Manipal, Kasturba Medical College, Manipal, Manipal Academy of Higher Education, Manipal, India
Classification: Pathogenic for Noonan syndrome 8. Last evaluated: 2023-01-23. Review status: criteria provided, single submitter. Criteria: ACMG Guidelines, 2015. Collection method: clinical testing. Allele origin: de novo. Affected: yes.

GeneDx
Classification: Pathogenic. Last evaluated: 2022-11-29. Review status: criteria provided, single submitter. Criteria: GeneDx Variant Classification Process June 2021. Collection method: clinical testing. Allele origin: germline. Affected: yes.
Comment: Published functional studies demonstrate that A57G enhanced ELK1 trans-activation in a luciferase assay above wild-type levels (Aoki et al., 2013); Not observed at significant frequency in large population cohorts (gnomAD); In silico analysis supports that this missense variant does not alter protein structure/function; This variant is associated with the following publications: (PMID: 25959749, 30105547, 23791108, 25049390, 25124994, 24901346, 24803665, 27226556, 30732632, 28991257, 30898653, 29158550, 31292302, 31219622, 32396283, 32368696, 34643321)